The following is an entry in ClinVar:

NM_000439.5(PCSK1):c.1124C>T (p.Thr375Met)

Genes: CAST (calpastatin; plus strand), PCSK1 (proprotein convertase subtilisin/kexin type 1; minus strand), LOC101929710 (uncharacterized LOC101929710; plus strand). Cytogenetic location: 5q15.
Variant type: single nucleotide variant.
Coding change: c.1124C>T on transcript NM_000439.5 (MANE Select); coding-DNA position 1124, C replaced by T.
Protein change: p.Thr375Met; replaces threonine 375 with methionine.
Molecular consequence: missense variant. On other transcripts: intron variant (11).
Genome position (GRCh38, 1-based): chr5:96,408,295, G>A on the plus strand (C>T on the coding strand, the complement: PCSK1 is on the minus strand). VCF-style: chr5-96408295-G-A. GRCh37 (hg19) VCF-style: chr5-95743999-G-A.
Other names: c.983C>T, p.Thr328Met (NM_001177875.2); c.-175+28643G>A (NM_001423254.1, NM_001423259.1, NM_001423255.1 and 6 more transcripts); c.-103+28643G>A (NM_001423253.1); c.-40+28643G>A (NM_001423258.1); short protein forms T328M, T375M.
Identifiers: ClinVar variation 2595889 (VCV002595889.3), dbSNP rs766414747, ClinGen allele CA122912198.
Genomic context (GRCh38, chr5:96,408,295, plus strand): 5'-GCCAGAGCGAAGATGCCAGCAGCCAGAGGTGCAGAGGCCGAGGTGCCTGTGTGCGTCTCC[G>A]TGCAGTCATTGTGCAGGTCAGCGCTCGTCTGGATGACGTCAGGAAGGAGAGAAAGGCAGG-3'
Protein context (NP_000430.3, residues 365-385): ITSADLHNDC[Thr375Met]ETHTGTSASA

ClinVar aggregate classification (germline): Conflicting classifications of pathogenicity. Review status: criteria provided, conflicting classifications (1 of 4 stars). 2 submissions from 2 submitters: Likely pathogenic (1); Uncertain significance (1). Last evaluated 2026-06-04.

Conditions:
Inborn genetic diseases. Identifiers: MedGen C0950123, MeSH D030342.
PCSK1-related disorder. Also called: PCSK1-related condition.

Allele frequency attached by ClinVar (database versions not stated): TOPMed 0.00002; gnomAD 0.00001.
gnomAD v4.1: 7 of 1,613,834 alleles (0.00043%); highest among the groups gnomAD compares: East Asian, 0.0045%; no homozygotes.

Submissions (2):

PreventionGenetics, part of Exact Sciences
Classification: Likely pathogenic for PCSK1-related condition. Last evaluated: 2026-06-04. Review status: criteria provided, single submitter. Criteria: ACMG Guidelines, 2015. Collection method: clinical testing. Allele origin: germline.
Comment: The PCSK1 c.1124C>T variant is predicted to result in the amino acid substitution p.Thr375Met. This variant has been observed in a cohort of obese individuals, and in vitro functional studies show strong evidence of loss of function (Supplemental Data Set, Shah et al. 2023. PubMed ID: 36864747). This variant is absent in a large population database, indicating it is rare. This variant is interpreted as likely pathogenic.

Ambry Genetics
Classification: Uncertain significance for Inborn genetic diseases. Last evaluated: 2023-08-19. Review status: criteria provided, single submitter. Criteria: Ambry Variant Classification Scheme 2023. Collection method: clinical testing. Allele origin: germline.